The following is an entry in ClinVar:

NM_017934.7(PHIP):c.3883A>G (p.Thr1295Ala)

Genes: IRAK1BP1 (interleukin 1 receptor associated kinase 1 binding protein 1; plus strand), PHIP (PHIP subunit of CUL4-Ring ligase complex; minus strand). Cytogenetic location: 6q14.1.
Variant type: single nucleotide variant.
Coding change: c.3883A>G on transcript NM_017934.7 (MANE Select); coding-DNA position 3883, A replaced by G.
Protein change: p.Thr1295Ala; replaces threonine 1295 with alanine.
Molecular consequence: missense variant.
Genome position (GRCh38, 1-based): chr6:78,955,252, T>C on the plus strand (A>G on the coding strand, the complement: PHIP is on the minus strand). VCF-style: chr6-78955252-T-C. GRCh37 (hg19) VCF-style: chr6-79664969-T-C.
Other names: short protein forms T1295A.
Identifiers: ClinVar variation 4998664 (VCV004998664.1).

ClinVar aggregate classification (germline): Uncertain significance (1 of 4 stars; one submission).

Conditions:
PHIP-related disorder. Also called: PHIP-related disorders; PHIP-related condition.

Submission:

PreventionGenetics, part of Exact Sciences
Classification: Uncertain significance for PHIP-related condition. Last evaluated: 2025-03-27. Review status: criteria provided, single submitter. Criteria: ACMG Guidelines, 2015. Collection method: clinical testing. Allele origin: germline.
Comment: The PHIP c.3883A>G variant is predicted to result in the amino acid substitution p.Thr1295Ala. To our knowledge, this variant has not been reported in the literature or in a large population database (gnomAD), indicating this variant is rare. At this time, the clinical significance of this variant is uncertain due to the absence of conclusive functional and genetic evidence.